The following is an entry in ClinVar:

NM_006767.4(LZTR1):c.671_672insG (p.Ile224fs)

Gene: LZTR1 (leucine zipper like post translational regulator 1; plus strand). Cytogenetic location: 22q11.21.
Variant type: Insertion.
Coding change: c.671_672insG on transcript NM_006767.4 (MANE Select); coding-DNA positions 671 to 672, G inserted.
Protein change: p.Ile224fs; shifts the reading frame from isoleucine 224.
Molecular consequence: frameshift variant.
Genome position: GRCh38 VCF-style: chr22-20990405-T-TG. GRCh37 (hg19) VCF-style: chr22-21344694-T-TG.
Other names: short protein forms I224fs.
Identifiers: ClinVar variation 1709706 (VCV001709706.2), dbSNP rs2518615678, ClinGen allele CA2580099201.

ClinVar aggregate classification (germline): Likely pathogenic (1 of 4 stars; one submission).

Conditions:
LZTR1-related schwannomatosis. Also called: Schwannomatosis-2, susceptibility to; Schwannomatosis 2. Identifiers: Orphanet 93921, MedGen C3810283, MONDO:0014299, OMIM 615670.

Submission:

MGZ Medical Genetics Center
Classification: Likely pathogenic for LZTR1-related schwannomatosis. Last evaluated: 2022-07-28. Review status: criteria provided, single submitter. Criteria: ACMG Guidelines, 2015. Collection method: clinical testing. Allele origin: germline. Affected: yes. Observed: 1 variant allele.
Comment: ACMG criteria applied: PVS1, PM2_SUP